The following is an entry in ClinVar:

NM_001386140.1(MTTP):c.1295C>G (p.Thr432Ser)

Gene: MTTP (microsomal triglyceride transfer protein; plus strand). Cytogenetic location: 4q23.
Variant type: single nucleotide variant.
Coding change: c.1295C>G on transcript NM_001386140.1 (MANE Select); coding-DNA position 1295, C replaced by G.
Protein change: p.Thr432Ser; replaces threonine 432 with serine.
Molecular consequence: missense variant.
Genome position (GRCh38, 1-based): chr4:99,601,665, C>G. VCF-style: chr4-99601665-C-G. GRCh37 (hg19) VCF-style: chr4-100522822-C-G.
Other names: c.1295C>G, p.Thr432Ser (NM_000253.4); c.1046C>G, p.Thr349Ser (NM_001300785.2); short protein forms T349S, T432S.
Identifiers: ClinVar variation 2059870 (VCV002059870.1), dbSNP rs376636131, ClinGen allele CA3022082.
Genomic context (GRCh38, chr4:99,601,665, plus strand): 5'-AGAGTAAGTTCAAAGGTTCTATTGGTAGCAGTGACATCAGAGAAACTGTTATGATCATCA[C>G]TGGGACACTTGTCAGAAAGTTGTGTCAGAATGAAGGCTGCAAACTCAAAGTAAGTGCAAA-3'
Protein context (NP_001373069.1, residues 422-442): SDIRETVMII[Thr432Ser]GTLVRKLCQN

ClinVar aggregate classification (germline): Uncertain significance (1 of 4 stars; one submission).

gnomAD v4.1: 107 of 1,612,964 alleles (0.0066%); highest among the groups gnomAD compares: Non-Finnish European, 0.0087%; no homozygotes.

Submission:

Labcorp Genetics (formerly Invitae), Labcorp
Classification: Uncertain significance. Last evaluated: 2022-03-10. Review status: criteria provided, single submitter. Criteria: Invitae Variant Classification Sherloc (09022015). Collection method: clinical testing. Allele origin: germline.
Comment: This sequence change replaces threonine, which is neutral and polar, with serine, which is neutral and polar, at codon 432 of the MTTP protein (p.Thr432Ser). This variant is present in population databases (rs376636131, gnomAD 0.009%). This variant has not been reported in the literature in individuals affected with MTTP-related conditions. Algorithms developed to predict the effect of missense changes on protein structure and function are either unavailable or do not agree on the potential impact of this missense change (SIFT: "Deleterious"; PolyPhen-2: "Benign"; Align-GVGD: "Class C0"). Algorithms developed to predict the effect of sequence changes on RNA splicing suggest that this variant may create or strengthen a splice site. In summary, the available evidence is currently insufficient to determine the role of this variant in disease. Therefore, it has been classified as a Variant of Uncertain Significance.